The following is an entry in ClinVar:

ClinVar aggregate classification (germline): Benign. Review status: criteria provided, multiple submitters, no conflicts (2 of 4 stars). 2 submissions from 2 submitters: Benign (2). Last evaluated 2018-01-13.

Conditions:
Fraser syndrome 1 (FRASRS1). Also called: CRYPTOPHTHALMOS WITH OTHER MALFORMATIONS. Identifiers: Orphanet 2052, MedGen C4551480, MONDO:0054737, OMIM 219000.

Allele frequency attached by ClinVar (database versions not stated): 1000 Genomes Project 0.01797; 1000 Genomes Project 30x 0.01811; TOPMed 0.03222; gnomAD 0.03561; gnomAD exomes 0.04270.
gnomAD v4.1: 5,254 of 157,850 alleles (3.3%); highest among the groups gnomAD compares: Non-Finnish European, 4.9%; 129 homozygotes.

Submissions (2):

Illumina Laboratory Services, Illumina
Classification: Benign for Fraser syndrome 1. Last evaluated: 2018-01-13. Review status: criteria provided, single submitter. Criteria: ICSL Variant Classification Criteria 13 December 2019. Collection method: clinical testing. Allele origin: germline.
Comment: This variant was observed in the ICSL laboratory as part of a predisposition screen in an ostensibly healthy population. It had not been previously curated by ICSL or reported in the Human Gene Mutation Database (HGMD: prior to June 1st, 2018), and was therefore a candidate for classification through an automated scoring system. Utilizing variant allele frequency, disease prevalence and penetrance estimates, and inheritance mode, an automated score was calculated to assess if this variant is too frequent to cause the disease. Based on the score and internal cut-off values, a variant classified as benign is not then subjected to further curation. The score for this variant resulted in a classification of benign for this disease.

Breakthrough Genomics
Classification: Benign. Review status: criteria provided, single submitter. Criteria: ACMG Guidelines, 2015. Collection method: not provided. Allele origin: germline. Inheritance: Autosomal recessive inheritance. Affected: yes.

NM_025074.7(FRAS1):c.*388C>G

Gene: FRAS1 (Fraser extracellular matrix complex subunit 1; plus strand). Cytogenetic location: 4q21.21.
Variant type: single nucleotide variant.
Coding change: c.*388C>G on transcript NM_025074.7 (MANE Select); 388 bases downstream of the stop codon, C replaced by G.
Molecular consequence: 3 prime UTR variant.
Genome position (GRCh38, 1-based): chr4:78,541,512, C>G. VCF-style: chr4-78541512-C-G. GRCh37 (hg19) VCF-style: chr4-79462666-C-G.
Identifiers: ClinVar variation 349831 (VCV000349831.6), dbSNP rs75970105, ClinGen allele CA10621749.